The following is an entry in ClinVar:

NM_018082.6(POLR3B):c.478G>A (p.Glu160Lys)

Gene: POLR3B (RNA polymerase III subunit B; plus strand). Cytogenetic location: 12q23.3.
Variant type: single nucleotide variant.
Coding change: c.478G>A on transcript NM_018082.6 (MANE Select); coding-DNA position 478, G replaced by A.
Protein change: p.Glu160Lys; replaces glutamic acid 160 with lysine.
Molecular consequence: missense variant.
Genome position (GRCh38, 1-based): chr12:106,376,432, G>A. VCF-style: chr12-106376432-G-A. GRCh37 (hg19) VCF-style: chr12-106770210-G-A.
Other names: c.304G>A, p.Glu102Lys (NM_001160708.2); short protein forms E102K, E160K.
Identifiers: ClinVar variation 989354 (VCV000989354.9), dbSNP rs749479456, ClinGen allele CA6761710.

ClinVar aggregate classification (germline): Uncertain significance. Review status: criteria provided, multiple submitters, no conflicts (2 of 4 stars). 3 submissions from 3 submitters: Uncertain significance (3). Last evaluated 2023-09-20.

Conditions:
POLR-related leukodystrophy. Also called: 4H leukodystrophy. Identifiers: Orphanet 289494, MedGen C5679947, MONDO:0100605.

Allele frequency attached by ClinVar (database versions not stated): gnomAD exomes below 0.00001; TOPMed below 0.00001; gnomAD 0.00001.
gnomAD v4.1: 6 of 1,611,598 alleles (0.00037%); highest among the groups gnomAD compares: Non-Finnish European, 0.00051%; no homozygotes.

Submissions (3):

Clinical Genetics Laboratory, Skane University Hospital Lund
Classification: Uncertain significance. Last evaluated: 2023-09-20. Review status: criteria provided, single submitter. Criteria: ACMG Guidelines, 2015. Collection method: clinical testing. Allele origin: germline. Affected: yes.

Labcorp Genetics (formerly Invitae), Labcorp
Classification: Uncertain significance. Last evaluated: 2021-12-20. Review status: criteria provided, single submitter. Criteria: Invitae Variant Classification Sherloc (09022015). Collection method: clinical testing. Allele origin: germline.
Comment: In summary, the available evidence is currently insufficient to determine the role of this variant in disease. Therefore, it has been classified as a Variant of Uncertain Significance. Algorithms developed to predict the effect of missense changes on protein structure and function (SIFT, PolyPhen-2, Align-GVGD) all suggest that this variant is likely to be disruptive. ClinVar contains an entry for this variant (Variation ID: 989354). This variant has not been reported in the literature in individuals affected with POLR3B-related conditions. This variant is present in population databases (rs749479456, gnomAD 0.0009%). This sequence change replaces glutamic acid, which is acidic and polar, with lysine, which is basic and polar, at codon 160 of the POLR3B protein (p.Glu160Lys).

Illumina Laboratory Services, Illumina
Classification: Uncertain significance for POLR3-related leukodystrophy. Last evaluated: 2019-02-22. Review status: criteria provided, single submitter. Criteria: ICSLVariantClassificationCriteria RUGD 01 April 2020. Collection method: clinical testing. Allele origin: unknown.
Comment: The POLR3B c.478G>A (p.Glu160Lys) variant is a missense variant. A literature search was performed for the gene, cDNA change, and amino acid change. No publications were found based on this search. The p.Glu160Lys variant is reported at a frequency of 0.000009 in the European (non-Finnish) population of the Genome Aggregation Database. Based on the limited evidence, the p.Glu160Lys variant is classified as a variant of uncertain significance for POLR3-related leukodystrophy.